The following is an entry in ClinVar:

ClinVar aggregate classification (germline): Uncertain significance (1 of 4 stars; one submission).

Conditions:
Melanoma, cutaneous malignant, susceptibility to, 5. Also called: Cutaneous malignant melanoma 5. Identifiers: Orphanet 618, MedGen C2751295, MONDO:0013133, OMIM 613099.

Submission:

Labcorp Genetics (formerly Invitae), Labcorp
Classification: Uncertain significance for Melanoma, cutaneous malignant, susceptibility to, 5. Last evaluated: 2025-11-03. Review status: criteria provided, single submitter. Criteria: Invitae Variant Classification Sherloc (09022015). Collection method: clinical testing. Allele origin: germline.
Comment: This sequence change replaces leucine, which is neutral and non-polar, with valine, which is neutral and non-polar, at codon 69 of the MC1R protein (p.Leu69Val). This variant is not present in population databases (gnomAD no frequency). This variant has not been reported in the literature in individuals affected with MC1R-related conditions. ClinVar contains an entry for this variant (Variation ID: 1390605). Invitae Evidence Modeling of protein sequence and biophysical properties (such as structural, functional, and spatial information, amino acid conservation, physicochemical variation, residue mobility, and thermodynamic stability) indicates that this missense variant is expected to disrupt MC1R protein function with a positive predictive value of 80%. In summary, the available evidence is currently insufficient to determine the role of this variant in disease. Therefore, it has been classified as a Variant of Uncertain Significance.

NM_002386.4(MC1R):c.205C>G (p.Leu69Val)

Gene: MC1R (melanocortin 1 receptor; plus strand). Cytogenetic location: 16q24.3.
Variant type: single nucleotide variant.
Coding change: c.205C>G on transcript NM_002386.4 (MANE Select); coding-DNA position 205, C replaced by G.
Protein change: p.Leu69Val; replaces leucine 69 with valine.
Molecular consequence: missense variant.
Genome position (GRCh38, 1-based): chr16:89,919,463, C>G. VCF-style: chr16-89919463-C-G. GRCh37 (hg19) VCF-style: chr16-89985871-C-G.
Other names: short protein forms L69V.
Identifiers: ClinVar variation 1390605 (VCV001390605.8), dbSNP rs2144391217, ClinGen allele CA397459870.